The following is an entry in ClinVar:

ClinVar aggregate classification (germline): Likely benign. Review status: criteria provided, single submitter (1 of 4 stars). 2 submissions from 2 submitters: Likely benign (1). 1 of the submissions does not count toward it. Last evaluated 2024-01-09.

Conditions:
PDE8B-related disorder. Also called: PDE8B-related condition.

Allele frequency attached by ClinVar (database versions not stated): ESP Exome Variant Server 0.00015; gnomAD exomes 0.00015 and 0.00036; 1000 Genomes Project 30x 0.00062; 1000 Genomes Project 0.00080; gnomAD 0.00026 and 0.00027; TOPMed 0.00051; ExAC 0.00015.
gnomAD v4.1: 553 of 1,609,446 alleles (0.034%); highest among the groups gnomAD compares: Admixed American, 0.068%; no homozygotes.

Submissions (2):

Labcorp Genetics (formerly Invitae), Labcorp
Classification: Likely benign. Last evaluated: 2024-01-09. Review status: criteria provided, single submitter. Criteria: Invitae Variant Classification Sherloc (09022015). Collection method: clinical testing. Allele origin: germline.

PreventionGenetics, part of Exact Sciences
Classification: Likely benign for PDE8B-related condition. Last evaluated: 2023-07-28. Review status: no assertion criteria provided. Collection method: clinical testing. Allele origin: germline. Not counted in ClinVar's aggregate classification.
Comment: This variant is classified as likely benign based on ACMG/AMP sequence variant interpretation guidelines (Richards et al. 2015 PMID: 25741868, with internal and published modifications).

NM_003719.5(PDE8B):c.1533C>T (p.Asp511=)

Gene: PDE8B (phosphodiesterase 8B; plus strand). Cytogenetic location: 5q13.3.
Variant type: single nucleotide variant.
Coding change: c.1533C>T on transcript NM_003719.5 (MANE Select); coding-DNA position 1533, C replaced by T.
Protein change: p.Asp511=; no amino-acid change (aspartic acid 511 retained).
Molecular consequence: synonymous variant.
Genome position (GRCh38, 1-based): chr5:77,411,678, C>T. VCF-style: chr5-77411678-C-T. GRCh37 (hg19) VCF-style: chr5-76707503-C-T.
Other names: c.1242C>T, p.Asp414= (NM_001029851.4); c.1368C>T, p.Asp456= (NM_001029852.4); c.1473C>T, p.Asp491= (NM_001029853.4); c.1392C>T, p.Asp464= (NM_001029854.4); c.1530C>T, p.Asp510= (NM_001349748.3, NM_001349751.3); c.1596C>T, p.Asp532= (NM_001349749.3); c.1293C>T, p.Asp431= (NM_001349750.3); c.1227C>T, p.Asp409= (NM_001349752.3); and 12 more.
Identifiers: ClinVar variation 708098 (VCV000708098.11), dbSNP rs148282450, ClinGen allele CA3315295.